The following is an entry in ClinVar:

NM_000545.8(HNF1A):c.244_245insGA (p.Thr82fs)

Gene: HNF1A (HNF1 homeobox A; plus strand). Cytogenetic location: 12q24.31.
Variant type: Insertion.
Coding change: c.244_245insGA on transcript NM_000545.8 (MANE Select); coding-DNA positions 244 to 245, GA inserted.
Protein change: p.Thr82fs; shifts the reading frame from threonine 82.
Molecular consequence: frameshift variant.
Genome position: GRCh38 VCF-style: chr12-120979011-C-CAG. GRCh37 (hg19) VCF-style: chr12-121416814-C-CAG.
Other names: c.244_245insGA, p.Thr82fs (NM_001306179.2, NM_001406915.1); short protein forms T82fs.
Identifiers: ClinVar variation 2735982 (VCV002735982.3), dbSNP rs2499973970, ClinGen allele CA2695217490.

ClinVar aggregate classification (germline): Pathogenic (1 of 4 stars; one submission).

Submission:

Labcorp Genetics (formerly Invitae), Labcorp
Classification: Pathogenic. Last evaluated: 2022-12-24. Review status: criteria provided, single submitter. Criteria: Invitae Variant Classification Sherloc (09022015). Collection method: clinical testing. Allele origin: germline.
Comment: For these reasons, this variant has been classified as Pathogenic. This variant is also known as p.T82R fs X73. This premature translational stop signal has been observed in individual(s) with HNF1A-related conditions (PMID: 27634015). This variant is not present in population databases (gnomAD no frequency). This sequence change creates a premature translational stop signal (p.Thr82Argfs*74) in the HNF1A gene. It is expected to result in an absent or disrupted protein product. Loss-of-function variants in HNF1A are known to be pathogenic (PMID: 15928245, 18003757).

Literature cited by the submitters: PubMed 27634015; PubMed 15928245; PubMed 18003757.